The following is an entry in ClinVar:

ClinVar aggregate classification (germline): Uncertain significance (1 of 4 stars; one submission).

Conditions:
Autoimmune enteropathy and endocrinopathy - susceptibility to chronic infections syndrome. Also called: Immunodeficiency 31C, autosomal dominant; Immunodeficiency 31C. Identifiers: Orphanet 391487, MedGen C3279990, MONDO:0013599, OMIM 614162.
Mendelian susceptibility to mycobacterial diseases due to partial STAT1 deficiency. Also called: IMMUNODEFICIENCY 31A, MYCOBACTERIOSIS, AUTOSOMAL DOMINANT; STAT1 DEFICIENCY, AUTOSOMAL DOMINANT; Immunodeficiency 31a. Identifiers: Orphanet 319595, MedGen C4013950, MONDO:0013956, OMIM 614892.
Immunodeficiency 31B. Also called: STAT1 DEFICIENCY, AUTOSOMAL RECESSIVE; IMMUNODEFICIENCY 31B, MYCOBACTERIAL AND VIRAL INFECTIONS, AUTOSOMAL RECESSIVE. Identifiers: Orphanet 391311, MedGen C3151088, MONDO:0013427, OMIM 613796.

Submission:

Labcorp Genetics (formerly Invitae), Labcorp
Classification: Uncertain significance for Mendelian susceptibility to mycobacterial diseases due to partial STAT1 deficiency; Immunodeficiency 31B; Autoimmune enteropathy and endocrinopathy - susceptibility to chronic infections syndrome. Last evaluated: 2024-09-02. Review status: criteria provided, single submitter. Criteria: Invitae Variant Classification Sherloc (09022015). Collection method: clinical testing. Allele origin: germline.
Comment: This sequence change replaces leucine, which is neutral and non-polar, with phenylalanine, which is neutral and non-polar, at codon 570 of the STAT1 protein (p.Leu570Phe). This variant is not present in population databases (gnomAD no frequency). This variant has not been reported in the literature in individuals affected with STAT1-related conditions. An algorithm developed to predict the effect of missense changes on protein structure and function (PolyPhen-2) suggests that this variant is likely to be tolerated. In summary, the available evidence is currently insufficient to determine the role of this variant in disease. Therefore, it has been classified as a Variant of Uncertain Significance.

NM_007315.4(STAT1):c.1708C>T (p.Leu570Phe)

Gene: STAT1 (signal transducer and activator of transcription 1; minus strand). Cytogenetic location: 2q32.2.
Variant type: single nucleotide variant.
Coding change: c.1708C>T on transcript NM_007315.4 (MANE Select); coding-DNA position 1708, C replaced by T.
Protein change: p.Leu570Phe; replaces leucine 570 with phenylalanine.
Molecular consequence: missense variant.
Genome position (GRCh38, 1-based): chr2:190,979,791, G>A on the plus strand (C>T on the coding strand, the complement: STAT1 is on the minus strand). VCF-style: chr2-190979791-G-A. GRCh37 (hg19) VCF-style: chr2-191844517-G-A.
Other names: c.1702C>T, p.Leu568Phe (NM_001384882.1); c.1609C>T, p.Leu537Phe (NM_001384883.1); c.1714C>T, p.Leu572Phe (NM_001384884.1, NM_001384881.1); c.1549C>T, p.Leu517Phe (NM_001384885.1); c.1708C>T, p.Leu570Phe (NM_001384886.1, NM_001384889.1, NM_139266.3); c.1615C>T, p.Leu539Phe (NM_001384887.1); c.1678C>T, p.Leu560Phe (NM_001384888.1); c.1618C>T, p.Leu540Phe (NM_001384890.1); and 2 more; short protein forms L517F, L537F, L539F, L540F, L550F, L560F, L568F, L570F.
Identifiers: ClinVar variation 3757939 (VCV003757939.2).